The following is an entry in ClinVar:

NM_001261826.3(AP3D1):c.3136G>A (p.Val1046Ile)

Gene: AP3D1 (adaptor related protein complex 3 subunit delta 1; minus strand). Cytogenetic location: 19p13.3.
Variant type: single nucleotide variant.
Coding change: c.3136G>A on transcript NM_001261826.3 (MANE Select); coding-DNA position 3136, G replaced by A.
Protein change: p.Val1046Ile; replaces valine 1046 with isoleucine.
Molecular consequence: missense variant.
Genome position (GRCh38, 1-based): chr19:2,110,746, C>T on the plus strand (G>A on the coding strand, the complement: AP3D1 is on the minus strand). VCF-style: chr19-2110746-C-T. GRCh37 (hg19) VCF-style: chr19-2110745-C-T.
Other names: p.Val1046Ile; c.3100G>A, p.Val1034Ile (NM_001374799.1); c.2950G>A, p.Val984Ile (NM_003938.8); short protein forms V1046I, V1034I, V984I.
Identifiers: ClinVar variation 4542279 (VCV004542279.1).

ClinVar aggregate classification (germline): Uncertain significance (1 of 4 stars; one submission).

gnomAD v4.1: 7 of 1,610,074 alleles (0.00043%); highest among the groups gnomAD compares: African/African-American, 0.004%; no homozygotes.

Submission:

Mayo Clinic Laboratories, Mayo Clinic
Classification: Uncertain significance. Last evaluated: 2024-10-10. Review status: criteria provided, single submitter. Criteria: ACMG Guidelines, 2015. Collection method: clinical testing. Allele origin: germline. Observed: 1 variant allele.
Comment: BP4, PM1_supporting, PM2_supporting